The following is an entry in ClinVar:

ClinVar aggregate classification (germline): Uncertain significance (1 of 4 stars; one submission).

Submission:

Labcorp Genetics (formerly Invitae), Labcorp
Classification: Uncertain significance. Last evaluated: 2024-07-29. Review status: criteria provided, single submitter. Criteria: Invitae Variant Classification Sherloc (09022015). Collection method: clinical testing. Allele origin: germline.
Comment: This sequence change creates a premature translational stop signal (p.Thr718Serfs*2) in the ERBB2 gene. It is expected to result in an absent or disrupted protein product. However, the current clinical and genetic evidence is not sufficient to establish whether loss-of-function variants in ERBB2 cause disease. This variant is not present in population databases (gnomAD no frequency). This variant has not been reported in the literature in individuals affected with ERBB2-related conditions. In summary, the available evidence is currently insufficient to determine the role of this variant in disease. Therefore, it has been classified as a Variant of Uncertain Significance.

NM_004448.4(ERBB2):c.2153_2156del (p.Thr718fs)

Gene: ERBB2 (erb-b2 receptor tyrosine kinase 2; plus strand). Cytogenetic location: 17q12.
Variant type: Deletion.
Coding change: c.2153_2156del on transcript NM_004448.4 (MANE Select); coding-DNA positions 2153 to 2156, 4 bases deleted (CGGA; older notation c.2153_2156delCGGA).
Protein change: p.Thr718fs; shifts the reading frame from threonine 718.
Molecular consequence: frameshift variant. On other transcripts: non-coding transcript variant (1), intron variant (1).
Genome position (GRCh38, 1-based): chr17:39,723,605-39,723,608, CGGA deleted; deleting any 4 consecutive bases within chr17:39,723,603-39,723,608 gives the same sequence; the c. name uses the placement nearest the transcript's 3' end. VCF-style (leftmost placement, unchanged base first): chr17-39723602-AGACG-A. GRCh37 (hg19) VCF-style: chr17-37879855-AGACG-A.
Other names: c.2063_2066del, p.Thr688fs (NM_001005862.3, NM_001382782.1, NM_001382783.1); c.2108_2111del, p.Thr703fs (NM_001289936.2); c.2153_2156del, p.Thr718fs (NM_001289937.2, NM_001382792.1, NM_001382793.1 and 6 more transcripts); c.2270_2273del, p.Thr757fs (NM_001382784.1, NM_001382786.1); c.2255_2258del, p.Thr752fs (NM_001382785.1); c.2228_2231del, p.Thr743fs (NM_001382787.1); c.2183_2186del, p.Thr728fs (NM_001382788.1); c.2174_2177del, p.Thr725fs (NM_001382789.1); and 8 more; short protein forms T442fs, T703fs, T715fs, T725fs, T632fs, T717fs, T752fs, T658fs.
Identifiers: ClinVar variation 3660763 (VCV003660763.2).
Genomic context (GRCh38, chr17:39,723,602, plus strand): 5'-TGGAGCCGCTGACACCTAGCGGAGCGATGCCCAACCAGGCGCAGATGCGGATCCTGAAAG[AGACG>A]GAGCTGAGGAAGGTGAAGGTGCTTGGATCTGGCGCTTTTGGCACAGTCTACAAGGTCAGG-3'